The following is an entry in ClinVar:

ClinVar aggregate classification (germline): Uncertain significance (1 of 4 stars; one submission).

gnomAD v4.1: 43 of 1,613,758 alleles (0.0027%); highest among the groups gnomAD compares: Non-Finnish European, 0.0031%; no homozygotes.

Submission:

Labcorp Genetics (formerly Invitae), Labcorp
Classification: Uncertain significance. Last evaluated: 2024-12-23. Review status: criteria provided, single submitter. Criteria: Invitae Variant Classification Sherloc (09022015). Collection method: clinical testing. Allele origin: germline.
Comment: This sequence change falls in intron 15 of the DUOX2 gene. It does not directly change the encoded amino acid sequence of the DUOX2 protein. The frequency data for this variant in the population databases is considered unreliable, as metrics indicate poor data quality at this position in the gnomAD database. This variant has not been reported in the literature in individuals affected with DUOX2-related conditions. Algorithms developed to predict the effect of sequence changes on RNA splicing suggest that this variant may disrupt the consensus splice site. In summary, the available evidence is currently insufficient to determine the role of this variant in disease. Therefore, it has been classified as a Variant of Uncertain Significance.

NM_001363711.2(DUOX2):c.1832-10T>G

Gene: DUOX2 (dual oxidase 2; minus strand). Cytogenetic location: 15q21.1.
Variant type: single nucleotide variant.
Coding change: c.1832-10T>G on transcript NM_001363711.2 (MANE Select); 10 bases into the intron before coding-DNA position 1832, T replaced by G.
Molecular consequence: intron variant.
Genome position (GRCh38, 1-based): chr15:45,106,651, A>C on the plus strand (T>G on the coding strand, the complement: DUOX2 is on the minus strand). VCF-style: chr15-45106651-A-C. GRCh37 (hg19) VCF-style: chr15-45398849-A-C.
Other names: c.1832-10T>G (NM_014080.5).
Identifiers: ClinVar variation 3620254 (VCV003620254.2).